The following is an entry in ClinVar:

Conditions:
Breast-ovarian cancer, familial, susceptibility to, 1 (BROVCA1). Also called: BRCA1 Hereditary Breast and Ovarian Cancer; OVARIAN CANCER, SUSCEPTIBILITY TO. Identifiers: Orphanet 145, MedGen C2676676, MONDO:0011450, OMIM 604370. Disease mechanism: loss of function.

Submission:

Brotman Baty Institute, University of Washington
No classification provided (evidence only). Condition: Breast-ovarian cancer, familial 1. Review status: no classification provided. Collection method: in vitro. Allele origin: not applicable. Functional consequence: functionally_normal.
ClinVar note: "not provided" was previously submitted as the classification for the variant. However, the classification appeared to be based only on an observation of functional data so it was converted to no classification on 2025-07-30.

NM_007294.4(BRCA1):c.5317A>C (p.Thr1773Pro)

Gene: BRCA1 (BRCA1 DNA repair associated; minus strand). Cytogenetic location: 17q21.31.
Variant type: single nucleotide variant.
Coding change: c.5317A>C on transcript NM_007294.4 (MANE Select); coding-DNA position 5317, A replaced by C.
Protein change: p.Thr1773Pro; replaces threonine 1773 with proline.
Molecular consequence: missense variant. On other transcripts: non-coding transcript variant (1).
Genome position (GRCh38, 1-based): chr17:43,051,078, T>G on the plus strand (A>C on the coding strand, the complement: BRCA1 is on the minus strand). VCF-style: chr17-43051078-T-G. GRCh37 (hg19) VCF-style: chr17-41203095-T-G.
Other names: c.5314A>C, p.Thr1772Pro (NM_001407621.1, NM_001407622.1, NM_001407623.1 and 17 more transcripts); c.5311A>C, p.Thr1771Pro (NM_001407627.1, NM_001407628.1, NM_001407629.1 and 14 more transcripts); c.5308A>C, p.Thr1770Pro (NM_001407644.1, NM_001407645.1); c.5305A>C, p.Thr1769Pro (NM_001407646.1); c.5302A>C, p.Thr1768Pro (NM_001407647.1); c.5260A>C, p.Thr1754Pro (NM_001407648.1); c.5257A>C, p.Thr1753Pro (NM_001407649.1); c.5239A>C, p.Thr1747Pro (NM_001407652.1, NM_001407653.1, NM_001407654.1 and 1 more transcripts); and 72 more; short protein forms T1794P, T669P, T1726P, T1773P, T1476P, T1619P, T1646P, T1660P.
Identifiers: ClinVar variation 865589 (VCV000865589.3), dbSNP rs80357324, ClinGen allele CA10590917.